The following is an entry in ClinVar:

NM_001042492.3(NF1):c.4457G>A (p.Cys1486Tyr)

Gene: NF1 (neurofibromin 1; plus strand). Cytogenetic location: 17q11.2.
Variant type: single nucleotide variant.
Coding change: c.4457G>A on transcript NM_001042492.3 (MANE Select); coding-DNA position 4457, G replaced by A.
Protein change: p.Cys1486Tyr; replaces cysteine 1486 with tyrosine.
Molecular consequence: missense variant.
Genome position (GRCh38, 1-based): chr17:31,260,395, G>A. VCF-style: chr17-31260395-G-A. GRCh37 (hg19) VCF-style: chr17-29587413-G-A.
Other names: c.4394G>A, p.Cys1465Tyr (NM_000267.4); short protein forms C1465Y, C1486Y.
Identifiers: ClinVar variation 1740250 (VCV001740250.2), dbSNP rs2151464573, ClinGen allele CA398999261.

ClinVar aggregate classification (germline): Uncertain significance (1 of 4 stars; one submission).

Conditions:
Cardiovascular phenotype. Identifiers: MedGen CN230736.
Hereditary cancer-predisposing syndrome. Also called: Hereditary Cancer Syndrome; Hereditary neoplastic syndrome; Neoplastic Syndromes, Hereditary; Tumor predisposition. Identifiers: Orphanet 140162, MedGen C0027672, MeSH D009386, MONDO:0015356.

Submission:

Ambry Genetics
Classification: Uncertain significance for Cardiovascular phenotype; Hereditary cancer-predisposing syndrome. Last evaluated: 2022-02-24. Review status: criteria provided, single submitter. Criteria: Ambry Variant Classification Scheme 2023. Collection method: clinical testing. Allele origin: germline.
Comment: The p.C1465Y variant (also known as c.4394G>A), located in coding exon 33 of the NF1 gene, results from a G to A substitution at nucleotide position 4394. The cysteine at codon 1465 is replaced by tyrosine, an amino acid with highly dissimilar properties. This amino acid position is conserved. In addition, the in silico prediction for this alteration is inconclusive. Since supporting evidence is limited at this time, the clinical significance of this alteration remains unclear.